The following is an entry in ClinVar:

NM_020320.5(RARS2):c.1237+38G>A

Gene: RARS2 (arginyl-tRNA synthetase 2, mitochondrial; minus strand). Cytogenetic location: 6q15.
Variant type: single nucleotide variant.
Coding change: c.1237+38G>A on transcript NM_020320.5 (MANE Select); 38 bases into the intron after coding-DNA position 1237, G replaced by A.
Molecular consequence: intron variant.
Genome position (GRCh38, 1-based): chr6:87,519,545, C>T on the plus strand (G>A on the coding strand, the complement: RARS2 is on the minus strand). VCF-style: chr6-87519545-C-T. GRCh37 (hg19) VCF-style: chr6-88229263-C-T.
Other names: c.1237+38G>A (NM_001350505.2); c.712+38G>A (NM_001350509.2, NM_001318785.2, NM_001350506.2 and 4 more transcripts).
Identifiers: ClinVar variation 673480 (VCV000673480.4), dbSNP rs13203056, ClinGen allele CA3916356.

ClinVar aggregate classification (germline): Benign. Review status: criteria provided, multiple submitters, no conflicts (2 of 4 stars). 2 submissions from 2 submitters: Benign (2). Last evaluated 2021-07-10.

Conditions:
Pontocerebellar hypoplasia type 6 (PCH6). Identifiers: Orphanet 166073, MedGen C1969084, MONDO:0012683, OMIM 611523.

Allele frequency attached by ClinVar (database versions not stated): gnomAD exomes 0.04243; ExAC 0.04419; 1000 Genomes Project 0.05391; 1000 Genomes Project 30x 0.05824; ESP Exome Variant Server 0.06812; TOPMed 0.06960.
gnomAD v4.1: 72,875 of 1,581,204 alleles (4.6%); highest among the groups gnomAD compares: African/African-American, 12%; 2,057 homozygotes.

Submissions (2):

Genome-Nilou Lab
Classification: Benign for Pontocerebellar hypoplasia type 6. Last evaluated: 2021-07-10. Review status: criteria provided, single submitter. Criteria: ACMG Guidelines, 2015. Collection method: clinical testing. Allele origin: germline. Affected: no.

GeneDx
Classification: Benign. Last evaluated: 2018-06-18. Review status: criteria provided, single submitter. Criteria: GeneDx Variant Classification (06012015). Collection method: clinical testing. Allele origin: germline. Affected: yes.
Comment: This variant is considered likely benign or benign based on one or more of the following criteria: it is a conservative change, it occurs at a poorly conserved position in the protein, it is predicted to be benign by multiple in silico algorithms, and/or has population frequency not consistent with disease.